The following is an entry in ClinVar:

NM_022089.4(ATP13A2):c.1749+5G>C

Gene: ATP13A2 (ATPase cation transporting 13A2; minus strand). Cytogenetic location: 1p36.13.
Variant type: single nucleotide variant.
Coding change: c.1749+5G>C on transcript NM_022089.4 (MANE Select); 5 bases into the intron after coding-DNA position 1749, G replaced by C.
Molecular consequence: intron variant.
Genome position (GRCh38, 1-based): chr1:16,993,624, C>G on the plus strand (G>C on the coding strand, the complement: ATP13A2 is on the minus strand). VCF-style: chr1-16993624-C-G. GRCh37 (hg19) VCF-style: chr1-17320119-C-G.
Other names: c.1734+5G>C (NM_001141974.3, NM_001141973.3).
Identifiers: ClinVar variation 2134936 (VCV002134936.4), dbSNP rs2523399992, ClinGen allele CA2580060613.

ClinVar aggregate classification (germline): Uncertain significance (1 of 4 stars; one submission).

Conditions:
Autosomal recessive spastic paraplegia type 78. Identifiers: Orphanet 513436, MedGen C5567893, MONDO:0014975, OMIM 617225.
Kufor-Rakeb syndrome (KRS). Also called: PARKINSON DISEASE 9, AUTOSOMAL RECESSIVE, JUVENILE-ONSET. Identifiers: Orphanet 306674, Orphanet 314632, MedGen C1847640, MONDO:0011706, OMIM 606693.

Submission:

Labcorp Genetics (formerly Invitae), Labcorp
Classification: Uncertain significance for Kufor-Rakeb syndrome; Autosomal recessive spastic paraplegia type 78. Last evaluated: 2022-05-07. Review status: criteria provided, single submitter. Criteria: Invitae Variant Classification Sherloc (09022015). Collection method: clinical testing. Allele origin: germline.
Comment: This sequence change falls in intron 16 of the ATP13A2 gene. It does not directly change the encoded amino acid sequence of the ATP13A2 protein. It affects a nucleotide within the consensus splice site. This variant is not present in population databases (gnomAD no frequency). This variant has not been reported in the literature in individuals affected with ATP13A2-related conditions. Variants that disrupt the consensus splice site are a relatively common cause of aberrant splicing (PMID: 17576681, 9536098). Algorithms developed to predict the effect of sequence changes on RNA splicing suggest that this variant may disrupt the consensus splice site. In summary, the available evidence is currently insufficient to determine the role of this variant in disease. Therefore, it has been classified as a Variant of Uncertain Significance.

Literature cited by the submitters: PubMed 17576681; PubMed 9536098.